The following is an entry in ClinVar:

NM_002769.5(PRSS1):c.282C>G (p.Ile94Met)

Genes: PRSS1 (serine protease 1; plus strand), TRB (T cell receptor beta locus; plus strand). Cytogenetic location: 7q34.
Variant type: single nucleotide variant.
Coding change: c.282C>G on transcript NM_002769.5 (MANE Select); coding-DNA position 282, C replaced by G.
Protein change: p.Ile94Met; replaces isoleucine 94 with methionine.
Molecular consequence: missense variant. On other transcripts: non-coding transcript variant (4).
Genome position (GRCh38, 1-based): chr7:142,751,855, C>G. VCF-style: chr7-142751855-C-G. GRCh37 (hg19) VCF-style: chr7-142459706-C-G.
Other names: short protein forms I94M.
Identifiers: ClinVar variation 1796554 (VCV001796554.4), dbSNP rs545007137, ClinGen allele CA369608650.

ClinVar aggregate classification (germline): Uncertain significance (1 of 4 stars; one submission).

Conditions:
Hereditary pancreatitis (PCTT). Also called: Hereditary chronic pancreatitis; PRSS1-Related Hereditary Pancreatitis. Identifiers: Orphanet 676, MedGen C0238339, MONDO:0008185, OMIM 167800.

Submission:

Ambry Genetics
Classification: Uncertain significance for Hereditary pancreatitis. Last evaluated: 2025-06-19. Review status: criteria provided, single submitter. Criteria: Ambry Variant Classification Scheme 2023. Collection method: clinical testing. Allele origin: germline.
Comment: The p.I94M variant (also known as c.282C>G), located in coding exon 3 of the PRSS1 gene, results from a C to G substitution at nucleotide position 282. The isoleucine at codon 94 is replaced by methionine, an amino acid with highly similar properties. This amino acid position is well conserved in available vertebrate species. In addition, the in silico prediction for this alteration is inconclusive. Since supporting evidence is limited at this time, the clinical significance of this alteration remains unclear.